The following is an entry in ClinVar:

NM_031229.4(RBCK1):c.1178dup (p.Cys394fs)

Gene: RBCK1 (RANBP2-type and C3HC4-type zinc finger containing 1; plus strand). Cytogenetic location: 20p13.
Variant type: Duplication.
Coding change: c.1178dup on transcript NM_031229.4 (MANE Select); coding-DNA position 1178, one base duplicated (T; older notation c.1178dupT).
Protein change: p.Cys394fs; shifts the reading frame from cysteine 394.
Molecular consequence: frameshift variant. On other transcripts: non-coding transcript variant (1).
Genome position (GRCh38, 1-based): chr20:427,461, T duplicated. VCF-style (leftmost placement, unchanged base first): chr20-427460-G-GT. GRCh37 (hg19) VCF-style: chr20-408104-G-GT.
Other names: c.668dup, p.Cys224fs (NM_001323956.2, NM_001323958.2); c.1229dup, p.Cys411fs (NM_001410770.1); c.1052dup, p.Cys352fs (NM_006462.6); short protein forms C224fs, C394fs, C411fs, C352fs.
Identifiers: ClinVar variation 4732433 (VCV004732433.1).

ClinVar aggregate classification (germline): Pathogenic (1 of 4 stars; one submission).

Conditions:
Polyglucosan body myopathy type 1 (PGBM1). Also called: POLYGLUCOSAN BODY MYOPATHY WITHOUT IMMUNODEFICIENCY; Polyglucosan body myopathy 1 with or without immunodeficiency. Identifiers: Orphanet 329173, Orphanet 397937, MedGen C4014605, MONDO:0014389, OMIM 615895.

Submission:

Labcorp Genetics (formerly Invitae), Labcorp
Classification: Pathogenic for Polyglucosan body myopathy type 1. Last evaluated: 2025-12-08. Review status: criteria provided, single submitter. Criteria: Invitae Variant Classification Sherloc (09022015). Collection method: clinical testing. Allele origin: germline.
Comment: This sequence change creates a premature translational stop signal (p.Cys394Valfs*14) in the RBCK1 gene. It is expected to result in an absent or disrupted protein product. Loss-of-function variants in RBCK1 are known to be pathogenic (PMID: 2379848, 23104095, 23889995). This variant is not present in population databases (gnomAD no frequency). This variant has not been reported in the literature in individuals affected with RBCK1-related conditions. Algorithms developed to predict the effect of sequence changes on RNA splicing suggest that this variant may disrupt the consensus splice site. For these reasons, this variant has been classified as Pathogenic.

Literature cited by the submitters: PubMed 2379848; PubMed 23104095; PubMed 23889995.